The following is an entry in ClinVar:

NM_007294.4(BRCA1):c.3661G>T (p.Glu1221Ter)

Genes: BRCA1 (BRCA1 DNA repair associated; minus strand), LOC126862571 (BRD4-independent group 4 enhancer GRCh37_chr17:41243136-41244335; plus strand). Cytogenetic location: 17q21.31.
Variant type: single nucleotide variant.
Coding change: c.3661G>T on transcript NM_007294.4 (MANE Select); coding-DNA position 3661, G replaced by T.
Protein change: p.Glu1221Ter; replaces glutamic acid 1221 with a stop codon.
Molecular consequence: nonsense. On other transcripts: intron variant (135).
Genome position (GRCh38, 1-based): chr17:43,091,870, C>A on the plus strand (G>T on the coding strand, the complement: BRCA1 is on the minus strand). VCF-style: chr17-43091870-C-A. GRCh37 (hg19) VCF-style: chr17-41243887-C-A.
Other names: p.E1221*:GAA>TAA; 3780G>T; c.3448G>T, p.Glu1150Ter (NM_001407571.1, NM_001407853.1, NM_001407894.1 and 9 more transcripts); c.3661G>T, p.Glu1221Ter (NM_001407581.1, NM_001407582.1, NM_001407583.1 and 30 more transcripts); c.3658G>T, p.Glu1220Ter (NM_001407587.1, NM_001407610.1, NM_001407611.1 and 22 more transcripts); c.3652G>T, p.Glu1218Ter (NM_001407646.1, NM_001407647.1); c.3538G>T, p.Glu1180Ter (NM_001407648.1, NM_001407664.1, NM_001407665.1 and 19 more transcripts); c.3535G>T, p.Glu1179Ter (NM_001407649.1, NM_001407670.1, NM_001407671.1 and 11 more transcripts); and 43 more; short protein forms E1221*, E1174*, E1053*, E1093*, E1109*, E1132*, E1151*, E1194*.
Identifiers: ClinVar variation 54957 (VCV000054957.63), dbSNP rs80357310, ClinGen allele CA002345.
Genomic context (GRCh38, chr17:43,091,870, plus strand): 5'-ACTGAGAAGGTATATTGTTTACTTTACCAAATAACAAGTGTTGGAAGCAGGGAAGCTCTT[C>A]ATCCTCACTAGATAAGTTCTCTTCTGAGGACTCTAATTTCTTGGCCCCTCTTCGGTAACC-3'

ClinVar aggregate classification (germline): Pathogenic. Review status: reviewed by expert panel (3 of 4 stars). 21 submissions from 21 submitters: Pathogenic (1). 20 of the submissions do not count toward it. Last evaluated 2016-09-08.

Conditions:
BRCA1-related disorder. Also called: BRCA1-related condition.
Breast and/or ovarian cancer. Identifiers: MedGen CN221562.
Hereditary cancer-predisposing syndrome. Also called: Hereditary Cancer Syndrome; Tumor predisposition; Neoplastic Syndromes, Hereditary; Hereditary neoplastic syndrome. Identifiers: Orphanet 140162, MedGen C0027672, MeSH D009386, MONDO:0015356.
Breast neoplasm. Also called: Breast Neoplasms; Neoplasm of the breast; Neoplasm of breast; Breast tumor. Identifiers: MedGen C1458155, MeSH D001943, MONDO:0021100, HP:0100013. Disease mechanism: gain of function.
Hereditary breast ovarian cancer syndrome. Also called: Breast and ovarian cancer; BRCA1- and BRCA2-Associated Hereditary Breast and Ovarian Cancer; Hereditary breast and ovarian cancer; Hereditary breast and ovarian cancer syndrome (HBOC); Hereditary breast and ovarian cancer syndrome; Hereditary breast and/or ovarian cancer syndrome. Identifiers: Orphanet 145, MedGen C0677776, MeSH D061325, MONDO:0003582. Disease mechanism: loss of function.
Breast-ovarian cancer, familial, susceptibility to, 1 (BROVCA1). Also called: BRCA1 Hereditary Breast and Ovarian Cancer; OVARIAN CANCER, SUSCEPTIBILITY TO. Identifiers: Orphanet 145, MedGen C2676676, MONDO:0011450, OMIM 604370. Disease mechanism: loss of function.
Malignant tumor of breast. Also called: Malignant breast neoplasm; Cancer breast. Identifiers: MedGen C0006142, MONDO:0007254. Disease mechanism: loss of function.

Allele frequency attached by ClinVar (database versions not stated): TOPMed below 0.00001; ExAC 0.00001; gnomAD exomes below 0.00001; ESP Exome Variant Server 0.00008.
gnomAD v4.1: 1 of 1,614,162 alleles (0.000062%); highest among the groups gnomAD compares: East Asian, 0.0022%; no homozygotes.

Submissions 1 to 9 of 21:

Evidence-based Network for the Interpretation of Germline Mutant Alleles (ENIGMA)
Classification: Pathogenic for Breast-ovarian cancer, familial, susceptibility to, 1. Last evaluated: 2016-09-08. Review status: reviewed by expert panel. Criteria: ENIGMA BRCA1/2 Classification Criteria (2015). Collection method: curation. Allele origin: germline.
Comment: Variant allele predicted to encode a truncated non-functional protein.

Labcorp Genetics (formerly Invitae), Labcorp
Classification: Pathogenic for Hereditary breast ovarian cancer syndrome. Last evaluated: 2025-12-09. Review status: criteria provided, single submitter. Criteria: Invitae Variant Classification Sherloc (09022015). Collection method: clinical testing. Allele origin: germline. Not counted in ClinVar's aggregate classification.
Comment: This sequence change creates a premature translational stop signal (p.Glu1221*) in the BRCA1 gene. It is expected to result in an absent or disrupted protein product. Loss-of-function variants in BRCA1 are known to be pathogenic (PMID: 20104584). This variant is present in population databases (rs80357310, gnomAD 0.006%). This premature translational stop signal has been observed in individual(s) with breast and/or ovarian cancer (PMID: 9150151, 21553119, 25452441, 26541979). This variant is also known as 3780G>T. ClinVar contains an entry for this variant (Variation ID: 54957). For these reasons, this variant has been classified as Pathogenic.

PreventionGenetics, part of Exact Sciences
Classification: Pathogenic for BRCA1-related condition. Last evaluated: 2025-12-08. Review status: criteria provided, single submitter. Criteria: ACMG Guidelines, 2015. Collection method: clinical testing. Allele origin: germline. Not counted in ClinVar's aggregate classification.
Comment: The BRCA1 c.3661G>T variant is predicted to result in premature protein termination (p.Glu1221*). This variant has been reported in individuals with breast and/or ovarian cancer or pancreatic cancer (see for examples, Claes et al. 2004. PubMed ID: 15026808; Supplementary Table 2, Couch et al. 2014. PubMed ID: 25452441; eTable 1, Blair et al. 2018. PubMed ID: 29309945). This variant is reported in 0.0054% of alleles in individuals of East Asian descent in gnomAD and it has been classified as pathogenic by an expert panel in ClinVar (Variation ID: 54957). Nonsense variants in BRCA1 are expected to be pathogenic. In summary, this variant is interpreted as pathogenic.

Institute of Human Genetics, University of Leipzig Medical Center
Classification: Pathogenic for Breast-ovarian cancer, familial, susceptibility to, 1. Last evaluated: 2025-10-29. Review status: criteria provided, single submitter. Criteria: ACMG Guidelines, 2015. Collection method: clinical testing. Allele origin: maternal. Inheritance: Autosomal dominant inheritance. Affected: yes. Not counted in ClinVar's aggregate classification.
Comment: Criteria applied: PVS1,PM5_STR

GeneDx
Classification: Pathogenic. Last evaluated: 2025-08-10. Review status: criteria provided, single submitter. Criteria: GeneDx Variant Classification Process June 2021. Collection method: clinical testing. Allele origin: germline. Affected: yes. Not counted in ClinVar's aggregate classification.
Comment: Nonsense variant predicted to result in protein truncation or nonsense mediated decay in a gene for which loss of function is a known mechanism of disease; Truncating variants in this gene are considered pathogenic by a well-established clinical consortium and/or database; Not observed at significant frequency in large population cohorts (gnomAD); Also known as 3780G>T; This variant is associated with the following publications: (PMID: 29922827, 28888541, 25525159, 27184744, 25637381, 9150151, 15026808, 9760198, 26541979, 21553119, 25452441, 23199084, 28767289, 30702160, 30078507, 29446198, 30720243, 30093976, 31447099, 30875412, 38355628)

Molecular Pathology, Peter Maccallum Cancer Centre
Classification: Pathogenic for Breast-ovarian cancer, familial, susceptibility to, 1. Last evaluated: 2025-06-12. Review status: criteria provided, single submitter. Criteria: ACMG Guidelines, 2015. Collection method: clinical testing. Allele origin: germline. Inheritance: Autosomal dominant inheritance. Not counted in ClinVar's aggregate classification.

Ambry Genetics
Classification: Pathogenic for Hereditary cancer-predisposing syndrome. Last evaluated: 2024-01-10. Review status: criteria provided, single submitter. Criteria: Ambry Variant Classification Scheme 2023. Collection method: clinical testing. Allele origin: germline. Not counted in ClinVar's aggregate classification.
Comment: The p.E1221* pathogenic mutation (also known as c.3661G>T), located in coding exon 9 of the BRCA1 gene, results from a G to T substitution at nucleotide position 3661. This changes the amino acid from a glutamic acid to a stop codon within coding exon 9. This alteration has been identified in multiple cohorts of individuals diagnosed with breast, ovarian and pancreatic cancer and has been recognized as a founder mutation in the Belgian population (Peelen T et al. Am. J. Hum. Genet. 1997 May;60:1041-9; Claes K et al. Br. J. Cancer. 2004 Mar;90:1244-51; Janaviius R. EPMA J. 2010 Sep;1:397-412; Couch FJ et al. J. Clin. Oncol. 2015 Feb;33:304-11; Hasmad HN et al. Gynecol. Oncol., 2016 05;141:318-322; Shindo K et al. J. Clin. Oncol., 2017 Oct;35:3382-3390; Blair AB et al. J. Am. Coll. Surg., 2018 04;226:630-637.e1; Chan GHJ et al. Oncotarget, 2018 Jul;9:30649-30660; Li A et al. Gynecol. Oncol., 2018 10;151:145-152). This alteration has also been seen in an exome cohort, but cardiovascular history was not provided (Amendola LM et al. Genome Res., 2015 Mar;25:305-15) and was identified in a large, worldwide study of BRCA1/2 mutation positive families (Rebbeck TR et al. Hum. Mutat., 2018 05;39:593-620). Of note, this mutation is also designated as 3780G>T in the published literature. In addition to the clinical data presented in the literature, this alteration is expected to result in loss of function by premature protein truncation or nonsense-mediated mRNA decay. As such, this alteration is interpreted as a disease-causing mutation.

CeGaT Center for Human Genetics Tuebingen
Classification: Pathogenic. Last evaluated: 2022-08-01. Review status: criteria provided, single submitter. Criteria: CeGaT Center For Human Genetics Tuebingen Variant Classification Criteria Version 2. Collection method: clinical testing. Allele origin: germline. Affected: yes. Observed: 1 variant allele. Not counted in ClinVar's aggregate classification.
Comment: BRCA1: PVS1, PM2

Baylor Genetics
Classification: Pathogenic for Breast-ovarian cancer, familial, susceptibility to, 1. Last evaluated: 2022-03-24. Review status: criteria provided, single submitter. Criteria: ACMG Guidelines, 2015. Collection method: clinical testing. Allele origin: unknown. Not counted in ClinVar's aggregate classification.